The following is an entry in ClinVar:

NM_018896.5(CACNA1G):c.3202C>T (p.Arg1068Cys)

Gene: CACNA1G (calcium voltage-gated channel subunit alpha1 G; plus strand). Cytogenetic location: 17q21.33.
Variant type: single nucleotide variant.
Coding change: c.3202C>T on transcript NM_018896.5 (MANE Select); coding-DNA position 3202, C replaced by T.
Protein change: p.Arg1068Cys; replaces arginine 1068 with cysteine.
Molecular consequence: missense variant. On other transcripts: non-coding transcript variant (5).
Genome position (GRCh38, 1-based): chr17:50,596,867, C>T. VCF-style: chr17-50596867-C-T. GRCh37 (hg19) VCF-style: chr17-48674228-C-T.
Other names: c.3202C>T, p.Arg1068Cys (NM_001256324.2, NM_001256325.2, NM_001256326.2 and 16 more transcripts); c.3133C>T, p.Arg1045Cys (NM_001256332.2, NM_198376.3, NM_198379.3 and 5 more transcripts); c.3202C>T (NM_018896.4); short protein forms R1045C, R1068C.
Identifiers: ClinVar variation 2647909 (VCV002647909.28), dbSNP rs754170584, ClinGen allele CA8652663.
Genomic context (GRCh38, chr17:50,596,867, plus strand): 5'-ATGTCGCTGCCCAAGAGCACCAGCACGGGCCTGGGCGAGGCGCTGGGCCCTGCGTCGCGC[C>T]GCACCAGCAGCAGCGGGTCGGCAGAGCCTGGGGCGGCCCACGAGATGAAGTCACCGGTAG-3'
Protein context (NP_061496.2, residues 1058-1078): LGEALGPASR[Arg1068Cys]TSSSGSAEPG

ClinVar aggregate classification (germline): Conflicting classifications of pathogenicity. Review status: criteria provided, conflicting classifications (1 of 4 stars). 3 submissions from 3 submitters: Uncertain significance (1); Benign (1); Likely benign (1). Last evaluated 2025-03-24.

Allele frequency attached by ClinVar (database versions not stated): ExAC 0.00002; TOPMed 0.00002; gnomAD 0.00003.
gnomAD v4.1: 68 of 1,594,164 alleles (0.0043%); highest among the groups gnomAD compares: Middle Eastern, 0.14%; no homozygotes.

Submissions (3):

GeneDx
Classification: Uncertain significance. Last evaluated: 2025-03-24. Review status: criteria provided, single submitter. Criteria: GeneDx Variant Classification Process June 2021. Collection method: clinical testing. Allele origin: germline. Affected: yes.
Comment: Reported previously as a variant of uncertain significance in a patient with cerebellar ataxia (PMID: 26456284); In silico analysis supports that this missense variant has a deleterious effect on protein structure/function; This variant is associated with the following publications: (PMID: 32638069, 26456284)

Labcorp Genetics (formerly Invitae), Labcorp
Classification: Benign. Last evaluated: 2024-08-14. Review status: criteria provided, single submitter. Criteria: Invitae Variant Classification Sherloc (09022015). Collection method: clinical testing. Allele origin: germline.

CeGaT Center for Human Genetics Tuebingen
Classification: Likely benign. Last evaluated: 2023-09-01. Review status: criteria provided, single submitter. Criteria: CeGaT Center For Human Genetics Tuebingen Variant Classification Criteria Version 2. Collection method: clinical testing. Allele origin: germline. Affected: yes. Observed: 2 variant alleles.
Comment: CACNA1G: BS2